The following is an entry in ClinVar:

ClinVar aggregate classification (germline): Uncertain significance. Review status: criteria provided, multiple submitters, no conflicts (2 of 4 stars). 2 submissions from 2 submitters: Uncertain significance (2). Last evaluated 2024-10-03.

Conditions:
Atrioventricular septal defect 4 (AVSD4). Identifiers: MedGen C3280781, MONDO:0013747, OMIM 614430.
Cardiovascular phenotype. Identifiers: MedGen CN230736.

Allele frequency attached by ClinVar (database versions not stated): gnomAD exomes 0.00001; TOPMed 0.00002.
gnomAD v4.1: 3 of 1,538,932 alleles (0.00019%); highest among the groups gnomAD compares: African/African-American, 0.0027%; no homozygotes.

Submissions (2):

Ambry Genetics
Classification: Uncertain significance for Cardiovascular phenotype. Last evaluated: 2024-10-03. Review status: criteria provided, single submitter. Criteria: Ambry Variant Classification Scheme 2023. Collection method: clinical testing. Allele origin: germline.

Labcorp Genetics (formerly Invitae), Labcorp
Classification: Uncertain significance for Atrioventricular septal defect 4. Last evaluated: 2021-09-25. Review status: criteria provided, single submitter. Criteria: Invitae Variant Classification Sherloc (09022015). Collection method: clinical testing. Allele origin: germline.
Comment: This variant has not been reported in the literature in individuals affected with GATA4-related conditions. In summary, the available evidence is currently insufficient to determine the role of this variant in disease. Therefore, it has been classified as a Variant of Uncertain Significance. Algorithms developed to predict the effect of missense changes on protein structure and function are either unavailable or do not agree on the potential impact of this missense change (SIFT: "Tolerated"; PolyPhen-2: "Probably Damaging"; Align-GVGD: "Class C0"). The frequency data for this variant in the population databases is considered unreliable, as metrics indicate insufficient coverage at this position in the ExAC database. This sequence change replaces alanine with valine at codon 33 of the GATA4 protein (p.Ala33Val). The alanine residue is weakly conserved and there is a small physicochemical difference between alanine and valine.

NM_001308093.3(GATA4):c.98C>T (p.Ala33Val)

Gene: GATA4 (GATA binding protein 4). Cytogenetic location: 8p23.1.
Variant type: single nucleotide variant.
Coding change: c.98C>T on transcript NM_001308093.3 (MANE Select); coding-DNA position 98, C replaced by T.
Protein change: p.Ala33Val; replaces alanine 33 with valine.
Molecular consequence: missense variant. On other transcripts: intron variant (3).
Genome position (GRCh38, 1-based): chr8:11,708,410, C>T. VCF-style: chr8-11708410-C-T. GRCh37 (hg19) VCF-style: chr8-11565919-C-T.
Other names: c.98C>T, p.Ala33Val (NM_002052.5); c.-6+7632C>T (NM_001308094.2); c.-3+396C>T (NM_001374274.1); c.-3+4106C>T (NM_001374273.1); c.98C>T (NM_002052.3); short protein forms A33V.
Identifiers: ClinVar variation 1491303 (VCV001491303.7), dbSNP rs989115054, ClinGen allele CA172074525.
Genomic context (GRCh38, chr8:11,708,410, plus strand): 5'-CGCCCCCCGGTGCCTACGAGGCGGGCGGCCCCGGCGCCTTCATGCACGGCGCGGGCGCCG[C>T]GTCCTCGCCAGTCTACGTGCCCACACCGCGGGTGCCCTCCTCCGTGCTGGGCCTGTCCTA-3'
Protein context (NP_001295022.1, residues 23-43): PGAFMHGAGA[Ala33Val]SSPVYVPTPR